The following is an entry in ClinVar:

ClinVar aggregate classification (germline): Likely benign. Review status: criteria provided, multiple submitters, no conflicts (2 of 4 stars). 4 submissions from 4 submitters: Likely benign (4). Last evaluated 2026-04-02.

Conditions:
Cardiovascular phenotype. Identifiers: MedGen CN230736.
Arrhythmogenic cardiomyopathy with wooly hair and keratoderma. Also called: PALMOPLANTAR KERATODERMA WITH LEFT VENTRICULAR CARDIOMYOPATHY AND WOOLLY HAIR; Dilated cardiomyopathy with woolly hair and keratoderma; Carvajal syndrome; Arrhythmogenic cardiomyopathy with woolly hair and keratoderma. Identifiers: Orphanet 65282, MedGen C1854063, MONDO:0011581, OMIM 605676.
Arrhythmogenic right ventricular dysplasia 8 (ARVD8). Also called: Arrhythmogenic Right Ventricular Dysplasia/Cardiomyopathy 8; ARRHYTHMOGENIC RIGHT VENTRICULAR CARDIOMYOPATHY 8; ARRHYTHMOGENIC RIGHT VENTRICULAR DYSPLASIA, FAMILIAL, 8. Identifiers: MedGen C1843896, MONDO:0011831, OMIM 607450.

Allele frequency attached by ClinVar (database versions not stated): TOPMed 0.00001; ExAC 0.00001; gnomAD 0.00002 and 0.00001; gnomAD exomes 0.00001 and 0.00002.
gnomAD v4.1: 7 of 1,613,918 alleles (0.00043%); highest among the groups gnomAD compares: Admixed American, 0.0083%; no homozygotes.

Submissions (4):

Ambry Genetics
Classification: Likely benign for Cardiovascular phenotype. Last evaluated: 2026-04-02. Review status: criteria provided, single submitter. Criteria: Ambry Variant Classification Scheme 2023. Collection method: clinical testing. Allele origin: germline.

Labcorp Genetics (formerly Invitae), Labcorp
Classification: Likely benign for Arrhythmogenic cardiomyopathy with wooly hair and keratoderma; Arrhythmogenic right ventricular dysplasia 8. Last evaluated: 2026-01-10. Review status: criteria provided, single submitter. Criteria: Invitae Variant Classification Sherloc (09022015). Collection method: clinical testing. Allele origin: germline.

All of Us Research Program, National Institutes of Health
Classification: Likely benign for Arrhythmogenic cardiomyopathy with wooly hair and keratoderma. Last evaluated: 2023-08-28. Review status: criteria provided, single submitter. Criteria: ACMG Guidelines, 2015. Collection method: clinical testing. Allele origin: germline. Inheritance: Autosomal dominant inheritance. Observed: 1 variant allele, 1 heterozygote.
Comment: This study involves interpretation of variants in research participants for the purpose of population health screening. Participant phenotype was not available at the time of variant classification. Additional details can be found in publication PMID: 35346344, PMCID: PMC8962531

GeneDx
Classification: Likely benign. Last evaluated: 2016-11-07. Review status: criteria provided, single submitter. Criteria: GeneDx Variant Classification (06012015). Collection method: clinical testing. Allele origin: germline. Affected: yes.
Comment: This variant is considered likely benign or benign based on one or more of the following criteria: it is a conservative change, it occurs at a poorly conserved position in the protein, it is predicted to be benign by multiple in silico algorithms, and/or has population frequency not consistent with disease.

NM_004415.4(DSP):c.3642T>A (p.Ile1214=)

Gene: DSP (desmoplakin; plus strand). Cytogenetic location: 6p24.3.
Variant type: single nucleotide variant.
Coding change: c.3642T>A on transcript NM_004415.4 (MANE Select); coding-DNA position 3642, T replaced by A.
Protein change: p.Ile1214=; no amino-acid change (isoleucine 1214 retained).
Molecular consequence: synonymous variant. On other transcripts: intron variant (1).
Genome position (GRCh38, 1-based): chr6:7,579,832, T>A. VCF-style: chr6-7579832-T-A. GRCh37 (hg19) VCF-style: chr6-7580065-T-A.
Other names: c.3642T>A (LRG_423t1); c.3642T>A, p.Ile1214= (NM_001319034.2); c.3582+60T>A (NM_001008844.3).
Identifiers: ClinVar variation 390652 (VCV000390652.14), dbSNP rs755908729, ClinGen allele CA038569.
Genomic context (GRCh38, chr6:7,579,832, plus strand): 5'-GGTAAGAAACCACTATAATGAGGAGATGAGTAATTTAAGGAACAAGTATGAAACAGAGAT[T>A]AACATTACGAAGACCACCATCAAGGAGATATCCATGCAAAAAGAGGATGATTCCAAAAAT-3'
Protein context (NP_004406.2, residues 1204-1224): SNLRNKYETE[Ile1214=]NITKTTIKEI